The following is an entry in ClinVar:

NM_173348.2(FAM149B1):c.592_598del (p.Lys198fs)

Gene: FAM149B1 (family with sequence similarity 149 member B1; plus strand). Cytogenetic location: 10q22.2.
Variant type: Deletion.
Coding change: c.592_598del on transcript NM_173348.2 (MANE Select); coding-DNA positions 592 to 598, 7 bases deleted (AAAGCAT; older notation c.592_598delAAAGCAT).
Protein change: p.Lys198fs; shifts the reading frame from lysine 198.
Molecular consequence: frameshift variant.
Genome position (GRCh38, 1-based): chr10:73,208,668-73,208,674, AAAGCAT deleted; deleting any 7 consecutive bases within chr10:73,208,665-73,208,674 gives the same sequence; the c. name uses the placement nearest the transcript's 3' end. VCF-style (leftmost placement, unchanged base first): chr10-73208664-TCATAAAG-T. GRCh37 (hg19) VCF-style: chr10-74968422-TCATAAAG-T.
Other names: short protein forms K198fs.
Identifiers: ClinVar variation 3368703 (VCV003368703.1).

ClinVar aggregate classification (germline): Uncertain significance (1 of 4 stars; one submission).

Submission:

GeneDx
Classification: Uncertain significance. Last evaluated: 2024-02-12. Review status: criteria provided, single submitter. Criteria: GeneDx Variant Classification Process June 2021. Collection method: clinical testing. Allele origin: germline. Affected: yes.
Comment: Not observed at significant frequency in large population cohorts (gnomAD); Frameshift variant predicted to result in protein truncation or nonsense mediated decay in a gene or region of a gene for which loss of function is not a well-established mechanism of disease; Has not been previously published as pathogenic or benign to our knowledge